The following is an entry in ClinVar:

NM_025193.4(HSD3B7):c.721_722insAG (p.Ala241fs)

Gene: HSD3B7 (hydroxy-delta-5-steroid dehydrogenase, 3 beta- and steroid delta-isomerase 7; plus strand). Cytogenetic location: 16p11.2.
Variant type: Insertion.
Coding change: c.721_722insAG on transcript NM_025193.4 (MANE Select); coding-DNA positions 721 to 722, AG inserted.
Protein change: p.Ala241fs; shifts the reading frame from alanine 241.
Molecular consequence: frameshift variant.
Genome position: GRCh38 VCF-style: chr16-30987793-G-GGA. GRCh37 (hg19) VCF-style: chr16-30999114-G-GGA.
Other names: c.558_559insAG, p.Gln187fs (NM_001142777.2, NM_001142778.2); short protein forms A241fs, Q187fs.
Identifiers: ClinVar variation 1385027 (VCV001385027.6), dbSNP rs2143641088, ClinGen allele CA2573152292.
Genomic context (GRCh38, chr16:30,987,793, plus strand): 5'-CAGGGGTGTGTCCGCCTCTCTTCCGCCACCGGCAGGCAATGTTGCCTGGATGCACGTGCT[G>GGA]GCAGCCCGGGAGCTGGAGCAGCGGGCAACCCTGATGGGCGGCCAGGTATACTTCTGCTAC-3'

ClinVar aggregate classification (germline): Pathogenic (1 of 4 stars; one submission).

Submission:

Labcorp Genetics (formerly Invitae), Labcorp
Classification: Pathogenic. Last evaluated: 2026-01-19. Review status: criteria provided, single submitter. Criteria: Invitae Variant Classification Sherloc (09022015). Collection method: clinical testing. Allele origin: germline.
Comment: This sequence change creates a premature translational stop signal (p.Ala241Glufs*12) in the HSD3B7 gene. While this is not anticipated to result in nonsense mediated decay, it is expected to disrupt the last 129 amino acid(s) of the HSD3B7 protein. This variant is not present in population databases (gnomAD no frequency). This variant has not been reported in the literature in individuals affected with HSD3B7-related conditions. ClinVar contains an entry for this variant (Variation ID: 1385027). This variant disrupts a region of the HSD3B7 protein in which other variant(s) (p.Leu347Valfs*6) have been determined to be pathogenic (PMID: 12679481). This suggests that this is a clinically significant region of the protein, and that variants that disrupt it are likely to be disease-causing. For these reasons, this variant has been classified as Pathogenic.

Literature cited by the submitters: PubMed 12679481.